The following is an entry in ClinVar:

ClinVar aggregate classification (germline): Pathogenic (1 of 4 stars; one submission).

Conditions:
Inborn genetic diseases. Identifiers: MedGen C0950123, MeSH D030342.

Submission:

Ambry Genetics
Classification: Pathogenic for Inborn genetic diseases. Last evaluated: 2018-07-09. Review status: criteria provided, single submitter. Criteria: Ambry Variant Classification Scheme 2023. Collection method: clinical testing. Allele origin: germline.
Comment: The p.E408* pathogenic mutation (also known as c.1222G>T), located in coding exon 6 of the MID1 gene, results from a G to T substitution at nucleotide position 1222. This changes the amino acid from a glutamic acid to a stop codon within coding exon 6. This alteration is expected to result in loss of function by premature protein truncation or nonsense-mediated mRNA decay. As such, this alteration is interpreted as a disease-causing mutation.

NM_000381.4(MID1):c.1222G>T (p.Glu408Ter)

Gene: MID1 (midline 1; minus strand). Cytogenetic location: Xp22.2.
Variant type: single nucleotide variant.
Coding change: c.1222G>T on transcript NM_000381.4 (MANE Select); coding-DNA position 1222, G replaced by T.
Protein change: p.Glu408Ter; replaces glutamic acid 408 with a stop codon.
Molecular consequence: nonsense.
Genome position (GRCh38, 1-based): chrX:10,469,760, C>A on the plus strand (G>T on the coding strand, the complement: MID1 is on the minus strand). VCF-style: chrX-10469760-C-A. GRCh37 (hg19) VCF-style: chrX-10437800-C-A.
Other names: c.1222G>T, p.Glu408Ter (NM_001098624.2, NM_001193277.1, NM_001193279.1 and 2 more transcripts); c.1375G>T, p.Glu459Ter (NM_001193278.1); c.1108G>T, p.Glu370Ter (NM_001193280.1, NM_033289.2); short protein forms E408*, E459*, E370*.
Identifiers: ClinVar variation 1753481 (VCV001753481.2), dbSNP rs2518993152, ClinGen allele CA412052231.
Genomic context (GRCh38, chrX:10,469,760, plus strand): 5'-CGACGTTGGCTTGTCCGGTGAATATGGTGTACTGGAGCTCGTAGGAGACCACGCTGAACT[C>A]ATCATCGGAGGTCCAATGCACAGTGATGGTGTCATATGAAGCTGTGCAGAGCTCTTCTCT-3'